The following is an entry in ClinVar:

ClinVar aggregate classification (germline): Pathogenic/Likely pathogenic. Review status: criteria provided, multiple submitters, no conflicts (2 of 4 stars). 2 submissions from 2 submitters: Pathogenic (1); Likely pathogenic (1). Last evaluated 2026-06-03.

Conditions:
Myopathy, myofibrillar, 9, with early respiratory failure (MFM9). Also called: Myopathy, distal, with early respiratory failure, autosomal dominant; Hereditary myopathy with early respiratory failure; MYOPATHY, PROXIMAL, WITH EARLY RESPIRATORY MUSCLE INVOLVEMENT; EDSTROM MYOPATHY. Identifiers: Orphanet 178464, Orphanet 34521, MedGen C1863599, MONDO:0011362, OMIM 603689.
Primary dilated cardiomyopathy (DCM). Also called: Dilated Cardiomyopathy. Identifiers: Orphanet 217604, MedGen C0007193, MeSH D002311, MONDO:0005021, HP:0001644. Inheritance: Various modes of inheritance.
Autosomal recessive limb-girdle muscular dystrophy type 2J (LGMDR10). Also called: MUSCULAR DYSTROPHY, LIMB-GIRDLE, AUTOSOMAL RECESSIVE 10; Limb-girdle muscular dystrophy, type 2J. Identifiers: Orphanet 140922, MedGen C1837342, MONDO:0012127, OMIM 608807.
Tibial muscular dystrophy (TMD). Also called: Udd Distal Myopathy – Tibial Muscular Dystrophy; Tibial muscular dystrophy, tardive; UDD MYOPATHY. Identifiers: Orphanet 609, MedGen C1838244, MONDO:0010870, OMIM 600334.
Dilated cardiomyopathy 1G (CMD1G). Identifiers: Orphanet 154, MedGen C1858763, MONDO:0011400, OMIM 604145.

Submissions (2):

GeneDx
Classification: Pathogenic. Last evaluated: 2026-06-03. Review status: criteria provided, single submitter. Criteria: GeneDx Variant Classification Process June 2021. Collection method: clinical testing. Allele origin: germline.
Comment: Has not been previously published as pathogenic or benign to our knowledge; Frameshift variant predicted to result in protein truncation or nonsense mediated decay in a gene for which loss of function is a known mechanism of disease; Located in the A-band, a region of TTN for which truncating variants are significantly associated with autosomal dominant cardiomyopathy and also with autosomal recessive skeletal myopathies (PMID: 22335739, 32778822); Not observed at significant frequency in large population cohorts (gnomAD); This variant is associated with the following publications: (PMID: 22335739, 32778822)

Labcorp Genetics (formerly Invitae), Labcorp
Classification: Likely pathogenic for Dilated cardiomyopathy 1G; Autosomal recessive limb-girdle muscular dystrophy type 2J. Last evaluated: 2022-01-06. Review status: criteria provided, single submitter. Criteria: Invitae Variant Classification Sherloc (09022015). Collection method: clinical testing. Allele origin: germline.
Comment: This variant has not been reported in the literature in individuals affected with TTN-related conditions. In summary, the currently available evidence indicates that the variant is pathogenic, but additional data are needed to prove that conclusively. Therefore, this variant has been classified as Likely Pathogenic. This variant is located in the A band of TTN (PMID: 25589632). Truncating variants in this region are significantly overrepresented in patients affected with dilated cardiomyopathy (PMID: 25589632). Truncating variants in this region have also been reported in individuals affected with autosomal recessive centronuclear myopathy (PMID: 23975875). ClinVar contains an entry for this variant (Variation ID: 576559). This variant is not present in population databases (gnomAD no frequency). This sequence change creates a premature translational stop signal (p.Ile21835Metfs*6) in the TTN gene. While this is not anticipated to result in nonsense mediated decay, it is expected to create a truncated TTN protein.

Literature cited by the submitters: PubMed 25589632 (cited by Labcorp Genetics (formerly Invitae), Labcorp); PubMed 23975875 (cited by Labcorp Genetics (formerly Invitae), Labcorp).

NM_001267550.2(TTN):c.65505del (p.Ile21835fs)

Genes: TTN (titin; minus strand), TTN-AS1 (TTN antisense RNA 1; plus strand). Cytogenetic location: 2q31.2.
Variant type: Deletion.
Coding change: c.65505del on transcript NM_001267550.2 (MANE Select); coding-DNA position 65505, one base deleted (T; older notation c.65505delT).
Protein change: p.Ile21835fs; shifts the reading frame from isoleucine 21835.
Molecular consequence: frameshift variant. On other transcripts: non-coding transcript variant (1).
Genome position (GRCh38, 1-based): chr2:178,583,677, A deleted on the plus strand (T on the coding strand, the reverse complement: TTN is on the minus strand); the first of 2 consecutive A bases (chr2:178,583,677-178,583,678); deleting either gives the same sequence. VCF-style (leftmost placement, unchanged base first): chr2-178583676-CA-C. GRCh37 (hg19) VCF-style: chr2-179448403-CA-C.
Other names: c.60582del, p.Ile20194fs (NM_001256850.1); c.38310del, p.Ile12770fs (NM_003319.4); c.57801del, p.Ile19267fs (NM_133378.4); c.65505del (NM_001267550.1); c.65505delT (NM_001267550.2); c.38685del, p.Ile12895fs (NM_133432.3); c.38886del, p.Ile12962fs (NM_133437.4); short protein forms I19267fs, I12770fs, I12895fs, I12962fs, I21835fs, I20194fs.
Identifiers: ClinVar variation 576559 (VCV000576559.13), dbSNP rs1559521007, ClinGen allele CA891843262.